The following is an entry in ClinVar:

ClinVar aggregate classification (germline): Uncertain significance (1 of 4 stars; one submission).

Conditions:
Baller-Gerold syndrome (BGS). Also called: CRANIOSYNOSTOSIS WITH RADIAL DEFECTS. Identifiers: Orphanet 1225, MedGen C0265308, MONDO:0009039, OMIM 218600.

Submission:

Labcorp Genetics (formerly Invitae), Labcorp
Classification: Uncertain significance for Baller-Gerold syndrome. Last evaluated: 2020-05-03. Review status: criteria provided, single submitter. Criteria: Invitae Variant Classification Sherloc (09022015). Collection method: clinical testing. Allele origin: germline.
Comment: This sequence change replaces histadine with histidine at codon 888 of the RECQL4 protein (p.Gln888His). The glutamine residue is moderately conserved and there is a small physicochemical difference between glutamine and histidine. This variant is not present in population databases (ExAC no frequency). This variant has not been reported in the literature in individuals with RECQL4-related conditions. Algorithms developed to predict the effect of missense changes on protein structure and function are either unavailable or do not agree on the potential impact of this missense change (SIFT: "Not Available"; PolyPhen-2: "Not Available"; Align-GVGD: "Not Available"). In summary, the available evidence is currently insufficient to determine the role of this variant in disease. Therefore, it has been classified as a Variant of Uncertain Significance.

NM_004260.4(RECQL4):c.2664A>C (p.Gln888His)

Gene: RECQL4 (RecQ like helicase 4; minus strand). Cytogenetic location: 8q24.3.
Variant type: single nucleotide variant.
Coding change: c.2664A>C on transcript NM_004260.4 (MANE Select); coding-DNA position 2664, A replaced by C.
Protein change: p.Gln888His; replaces glutamine 888 with histidine.
Molecular consequence: missense variant.
Genome position (GRCh38, 1-based): chr8:144,512,938, T>G on the plus strand (A>C on the coding strand, the complement: RECQL4 is on the minus strand). VCF-style: chr8-144512938-T-G. GRCh37 (hg19) VCF-style: chr8-145738321-T-G.
Other names: short protein forms Q888H.
Identifiers: ClinVar variation 1042697 (VCV001042697.3), dbSNP rs779076624, ClinGen allele CA372675484.